The following is an entry in ClinVar:

ClinVar aggregate classification (germline): Conflicting classifications of pathogenicity. Review status: criteria provided, conflicting classifications (1 of 4 stars). 2 submissions from 2 submitters: Likely pathogenic (1); Uncertain significance (1). Last evaluated 2021-12-28.

Submissions (2):

Revvity Omics, Revvity
Classification: Likely pathogenic. Last evaluated: 2021-12-28. Review status: criteria provided, single submitter. Criteria: ACMG Guidelines, 2015. Collection method: clinical testing. Allele origin: germline.

Laboratory for Molecular Medicine, Mass General Brigham Personalized Medicine
Classification: Uncertain significance. Last evaluated: 2013-11-19. Review status: criteria provided, single submitter. Criteria: LMM Criteria. Collection method: clinical testing. Allele origin: germline. Observed: 1 variant allele.
Comment: The Asp459fs variant in TJP2 has not been previously reported in individuals wit h hearing loss or in large population studies. This frameshift variant is predic ted to alter the protein?s amino acid sequence beginning at position 459 and lea d to a premature termination codon 32 amino acids downstream. This alteration is then predicted to lead to a truncated or absent protein. However, heterozygous loss of function variants in TJP2 have not been described in individuals with he aring loss and, therefore, it is uncertain if these types of variants are causat ive for hearing loss. In summary, additional data is needed to determine the cli nical significance of this variant.

NM_004817.4(TJP2):c.1444del (p.Asp482fs)

Gene: TJP2 (tight junction protein 2; plus strand). Cytogenetic location: 9q21.11.
Variant type: Deletion.
Coding change: c.1444del on transcript NM_004817.4 (MANE Select); coding-DNA position 1444, one base deleted (G; older notation c.1444delG).
Protein change: p.Asp482fs; shifts the reading frame from aspartic acid 482.
Molecular consequence: frameshift variant.
Genome position (GRCh38, 1-based): chr9:69,228,105, G deleted; the last of 2 consecutive G bases (chr9:69,228,104-69,228,105); deleting either gives the same sequence. VCF-style (leftmost placement, unchanged base first): chr9-69228103-AG-A. GRCh37 (hg19) VCF-style: chr9-71843019-AG-A.
Other names: c.1375delG (NM_001170414.2); c.1375del, p.Asp459fs (NM_001170414.2, NM_001369871.1); c.1456del, p.Asp486fs (NM_001170415.1, NM_001369874.1, NM_001369875.1); c.1537del, p.Asp513fs (NM_001170416.2); c.1369del, p.Asp457fs (NM_001369870.1); c.1444del, p.Asp482fs (NM_001369872.1, NM_001369873.1, NM_201629.3 and 1 more transcripts); short protein forms D459fs, D482fs, D486fs, D513fs, D457fs.
Identifiers: ClinVar variation 165410 (VCV000165410.8), dbSNP rs727503479, ClinGen allele CA178170.
Genomic context (GRCh38, chr9:69,228,103, plus strand): 5'-CCACAGGGGATATTGCAGGCACAGTTGTCCCAGAGACCAACAAGGAACCCAGATACCAAG[AG>A]GACCCCCCAGGTGAGCCATTAAGACCACTCAGTTTCAACAGTTGTGTTCAGAAGTGTGTG-3'